The following is an entry in ClinVar:

ClinVar aggregate classification (germline): Likely benign. Review status: criteria provided, multiple submitters, no conflicts (2 of 4 stars). 2 submissions from 2 submitters: Likely benign (2). Last evaluated 2024-06-01.

Allele frequency attached by ClinVar (database versions not stated): gnomAD 0.00001; gnomAD exomes 0.00003 and 0.00004; TOPMed 0.00003; ExAC 0.00005.

Submissions (2):

CeGaT Center for Human Genetics Tuebingen
Classification: Likely benign. Last evaluated: 2024-06-01. Review status: criteria provided, single submitter. Criteria: CeGaT Center For Human Genetics Tuebingen Variant Classification Criteria Version 2. Collection method: clinical testing. Allele origin: germline. Affected: yes. Observed: 1 variant allele.
Comment: LAMC2: BP4, BP7

Labcorp Genetics (formerly Invitae), Labcorp
Classification: Likely benign. Last evaluated: 2024-03-19. Review status: criteria provided, single submitter. Criteria: Invitae Variant Classification Sherloc (09022015). Collection method: clinical testing. Allele origin: germline.

NM_005562.3(LAMC2):c.1638C>T (p.Ala546=)

Gene: LAMC2 (laminin subunit gamma 2; plus strand). Cytogenetic location: 1q25.3.
Variant type: single nucleotide variant.
Coding change: c.1638C>T on transcript NM_005562.3 (MANE Select); coding-DNA position 1638, C replaced by T.
Protein change: p.Ala546=; no amino-acid change (alanine 546 retained).
Molecular consequence: synonymous variant.
Genome position (GRCh38, 1-based): chr1:183,228,543, C>T. VCF-style: chr1-183228543-C-T. GRCh37 (hg19) VCF-style: chr1-183197678-C-T.
Other names: c.1638C>T, p.Ala546= (NM_018891.3).
Identifiers: ClinVar variation 747873 (VCV000747873.28), dbSNP rs749556613, ClinGen allele CA1282680.